The following is an entry in ClinVar:

ClinVar aggregate classification (germline): Uncertain significance (1 of 4 stars; one submission).

gnomAD v4.1: 4 of 1,613,832 alleles (0.00025%); highest among the groups gnomAD compares: Middle Eastern, 0.017%; no homozygotes.

Submission:

GeneDx
Classification: Uncertain significance. Last evaluated: 2024-04-12. Review status: criteria provided, single submitter. Criteria: GeneDx Variant Classification Process June 2021. Collection method: clinical testing. Allele origin: germline. Affected: yes.
Comment: Not observed at significant frequency in large population cohorts (gnomAD); In silico analysis supports that this missense variant has a deleterious effect on protein structure/function; Has not been previously published as pathogenic or benign to our knowledge

NM_017780.4(CHD7):c.5202C>A (p.His1734Gln)

Gene: CHD7 (chromodomain helicase DNA binding protein 7; plus strand). Cytogenetic location: 8q12.2.
Variant type: single nucleotide variant.
Coding change: c.5202C>A on transcript NM_017780.4 (MANE Select); coding-DNA position 5202, C replaced by A.
Protein change: p.His1734Gln; replaces histidine 1734 with glutamine.
Molecular consequence: missense variant. On other transcripts: intron variant (1).
Genome position (GRCh38, 1-based): chr8:60,845,401, C>A. VCF-style: chr8-60845401-C-A. GRCh37 (hg19) VCF-style: chr8-61757960-C-A.
Other names: c.1717-16828C>A (NM_001316690.1); short protein forms H1734Q.
Identifiers: ClinVar variation 3372583 (VCV003372583.1).